The following is an entry in ClinVar:

NM_001267550.2(TTN):c.78231_78234del (p.Ser26077fs)

Genes: TTN (titin; minus strand), TTN-AS1 (TTN antisense RNA 1; plus strand). Cytogenetic location: 2q31.2.
Variant type: Microsatellite.
Coding change: c.78231_78234del on transcript NM_001267550.2 (MANE Select); coding-DNA positions 78231 to 78234, 4 bases deleted (CAAG; older notation c.78231_78234delCAAG).
Protein change: p.Ser26077fs; shifts the reading frame from serine 26077.
Molecular consequence: frameshift variant.
Genome position (GRCh38, 1-based): chr2:178,567,898-178,567,901, CTTG deleted on the plus strand (CAAG on the coding strand, the reverse complement: TTN is on the minus strand); deleting any 4 consecutive bases within chr2:178,567,898-178,567,908 gives the same sequence; the c. name uses the placement nearest the transcript's 3' end. VCF-style (leftmost placement, unchanged base first): chr2-178567897-TCTTG-T. GRCh37 (hg19) VCF-style: chr2-179432624-TCTTG-T.
Other names: c.51612_51615del, p.Ser17204fs (NM_133437.4); c.73308_73311del, p.Ser24436fs (NM_001256850.1); c.51036_51039del, p.Ser17012fs (NM_003319.4); c.70527_70530del, p.Ser23509fs (NM_133378.4); c.51411_51414del, p.Ser17137fs (NM_133432.3); short protein forms S23509fs, S24436fs, S17012fs, S26077fs, S17137fs, S17204fs.
Identifiers: ClinVar variation 2952495 (VCV002952495.3), dbSNP rs2468341208, ClinGen allele CA2740096334.

ClinVar aggregate classification (germline): Likely pathogenic (1 of 4 stars; one submission).

Conditions:
Autosomal recessive limb-girdle muscular dystrophy type 2J (LGMDR10). Also called: Limb-girdle muscular dystrophy, type 2J; MUSCULAR DYSTROPHY, LIMB-GIRDLE, AUTOSOMAL RECESSIVE 10. Identifiers: Orphanet 140922, MedGen C1837342, MONDO:0012127, OMIM 608807.
Dilated cardiomyopathy 1G (CMD1G). Identifiers: Orphanet 154, MedGen C1858763, MONDO:0011400, OMIM 604145.

Submission:

Labcorp Genetics (formerly Invitae), Labcorp
Classification: Likely pathogenic for Dilated cardiomyopathy 1G; Autosomal recessive limb-girdle muscular dystrophy type 2J. Last evaluated: 2023-10-04. Review status: criteria provided, single submitter. Criteria: Invitae Variant Classification Sherloc (09022015). Collection method: clinical testing. Allele origin: germline.
Comment: This sequence change creates a premature translational stop signal (p.Ser26077Argfs*7) in the TTN gene. While this is not anticipated to result in nonsense mediated decay, it is expected to create a truncated TTN protein. This variant is not present in population databases (gnomAD no frequency). This variant has not been reported in the literature in individuals affected with TTN-related conditions. This variant is located in the A band of TTN (PMID: 25589632). Truncating variants in this region are significantly overrepresented in patients affected with dilated cardiomyopathy (PMID: 25589632). Truncating variants in this region have also been reported in individuals affected with autosomal recessive centronuclear myopathy (PMID: 23975875). In summary, the currently available evidence indicates that the variant is pathogenic, but additional data are needed to prove that conclusively. Therefore, this variant has been classified as Likely Pathogenic.

Literature cited by the submitters: PubMed 25589632; PubMed 23975875.